The following is an entry in ClinVar:

ClinVar aggregate classification (germline): Likely benign (1 of 4 stars; one submission).

Allele frequency attached by ClinVar (database versions not stated): gnomAD exomes below 0.00001.
gnomAD v4.1: 1 of 1,613,652 alleles (0.000062%); highest among the groups gnomAD compares: Non-Finnish European, 0.000085%; no homozygotes.

Submission:

CeGaT Center for Human Genetics Tuebingen
Classification: Likely benign. Last evaluated: 2022-06-01. Review status: criteria provided, single submitter. Criteria: CeGaT Center For Human Genetics Tuebingen Variant Classification Criteria Version 2. Collection method: clinical testing. Allele origin: germline. Affected: yes. Observed: 1 variant allele.
Comment: DOCK6: PM2:Supporting, BP4, BP7

NM_020812.4(DOCK6):c.3789C>T (p.Asn1263=)

Genes: DOCK6 (dedicator of cytokinesis 6; minus strand), DOCK6-AS1 (DOCK6 antisense RNA 1; plus strand). Cytogenetic location: 19p13.2.
Variant type: single nucleotide variant.
Coding change: c.3789C>T on transcript NM_020812.4 (MANE Select); coding-DNA position 3789, C replaced by T.
Protein change: p.Asn1263=; no amino-acid change (asparagine 1263 retained).
Molecular consequence: synonymous variant.
Genome position (GRCh38, 1-based): chr19:11,217,019, G>A on the plus strand (C>T on the coding strand, the complement: DOCK6 is on the minus strand). VCF-style: chr19-11217019-G-A. GRCh37 (hg19) VCF-style: chr19-11327695-G-A.
Other names: c.3894C>T, p.Asn1298= (NM_001367830.1).
Identifiers: ClinVar variation 2649320 (VCV002649320.24), dbSNP rs2513010326, ClinGen allele CA505494580.
Genomic context (GRCh38, chr19:11,217,019, plus strand): 5'-ACGTCCCAGCTGGGGGAGTGTCAGGTCAGTGGCCCAGCGCTGCAGGAGCGCCGGCTCGGT[G>A]TTTTTCAGCACCCACAGCACACACGCCAGCAAGGTCCGGCTTGACTCAGCAGAGAGGGCA-3'
Protein context (NP_065863.2, residues 1253-1273): LLACVLWVLK[Asn1263=]TEPALLQRWA